The following is an entry in ClinVar:

ClinVar aggregate classification (germline): Uncertain significance (1 of 4 stars; one submission).

gnomAD v4.1: 4 of 1,613,992 alleles (0.00025%); highest among the groups gnomAD compares: Non-Finnish European, 0.00025%; no homozygotes.

Submission:

Labcorp Genetics (formerly Invitae), Labcorp
Classification: Uncertain significance. Last evaluated: 2024-06-04. Review status: criteria provided, single submitter. Criteria: Invitae Variant Classification Sherloc (09022015). Collection method: clinical testing. Allele origin: germline.
Comment: This sequence change creates a premature translational stop signal (p.Arg2291*) in the SON gene. While this is not anticipated to result in nonsense mediated decay, it is expected to disrupt the last 13 amino acid(s) of the SON protein. This variant is not present in population databases (gnomAD no frequency). This variant has not been reported in the literature in individuals affected with SON-related conditions. Experimental studies and prediction algorithms are not available or were not evaluated, and the functional significance of this variant is currently unknown. In summary, the available evidence is currently insufficient to determine the role of this variant in disease. Therefore, it has been classified as a Variant of Uncertain Significance.

NM_138927.4(SON):c.6657+315C>T

Gene: SON (SON DNA and RNA binding protein; plus strand). Cytogenetic location: 21q22.11.
Variant type: single nucleotide variant.
Coding change: c.6657+315C>T on transcript NM_138927.4 (MANE Select); 315 bases into the intron after coding-DNA position 6657, C replaced by T.
Molecular consequence: intron variant. On other transcripts: nonsense (1).
Genome position (GRCh38, 1-based): chr21:33,560,090, C>T. VCF-style: chr21-33560090-C-T. GRCh37 (hg19) VCF-style: chr21-34932396-C-T.
Other names: c.6871C>T, p.Arg2291Ter (NM_032195.3); c.741+315C>T (NM_001291412.3); short protein forms R2291*.
Identifiers: ClinVar variation 3681089 (VCV003681089.2).